The following is an entry in ClinVar:

ClinVar aggregate classification (germline): Uncertain significance (1 of 4 stars; one submission).

Conditions:
Cardiomyopathy (CMYO). Also called: Cardiomyopathies. Identifiers: Orphanet 167848, MedGen C0878544, MONDO:0004994, HP:0001638. Inheritance: Various modes of inheritance.

Submission:

Color Diagnostics, LLC DBA Color Health
Classification: Uncertain significance for Cardiomyopathy. Last evaluated: 2021-11-12. Review status: criteria provided, single submitter. Criteria: ACMG Guidelines, 2015. Collection method: clinical testing. Allele origin: germline.
Comment: This variant causes a T to C nucleotide substitution at the +2 position of intron 64 of the RYR2 gene. Splice prediction tools suggest that this variant may disrupt splicing. To our knowledge, functional studies have not been reported for this variant. This variant has not been reported in individuals affected with cardiovascular disorders in the literature. This variant has not been identified in the general population by the Genome Aggregation Database (gnomAD). The role of loss-of-function RYR2 truncation and splice variants in autosomal dominant cardiovascular disorders is not clearly established. The available evidence is insufficient to determine the role of this variant in disease conclusively. Therefore, this variant is classified as a Variant of Uncertain Significance.

NM_001035.3(RYR2):c.9128+2T>C

Gene: RYR2 (ryanodine receptor 2; plus strand). Cytogenetic location: 1q43.
Variant type: single nucleotide variant.
Coding change: c.9128+2T>C on transcript NM_001035.3 (MANE Select); the canonical splice donor site of the intron after coding-DNA position 9128, T replaced by C.
Molecular consequence: splice donor variant.
Genome position (GRCh38, 1-based): chr1:237,699,027, T>C. VCF-style: chr1-237699027-T-C. GRCh37 (hg19) VCF-style: chr1-237862327-T-C.
Identifiers: ClinVar variation 2774357 (VCV002774357.2), dbSNP rs2547356034, ClinGen allele CA345406649.